The following is an entry in ClinVar:

NM_001371596.2(MFSD8):c.1385dup (p.Ser462fs)

Gene: MFSD8 (major facilitator superfamily domain containing 8; minus strand). Cytogenetic location: 4q28.2.
Variant type: Duplication.
Coding change: c.1385dup on transcript NM_001371596.2 (MANE Select); coding-DNA position 1385, one base duplicated (G; older notation c.1385dupG).
Protein change: p.Ser462fs; shifts the reading frame from serine 462.
Molecular consequence: frameshift variant. On other transcripts: 3 prime UTR variant (2).
Genome position (GRCh38, 1-based): chr4:127,920,802, C duplicated on the plus strand (G on the coding strand, the reverse complement: MFSD8 is on the minus strand). VCF-style (leftmost placement, unchanged base first): chr4-127920801-A-AC. GRCh37 (hg19) VCF-style: chr4-128841956-A-AC.
Other names: c.1184dup, p.Ser395fs (NM_001363520.3); c.1070dup, p.Ser357fs (NM_001363521.3); c.1250dup, p.Ser417fs (NM_001371590.2); c.1394dup, p.Ser465fs (NM_001371591.2); c.1391dup, p.Ser464fs (NM_001371592.2); c.1271dup, p.Ser424fs (NM_001371593.2); c.1238dup, p.Ser413fs (NM_001371594.2); c.1103dup, p.Ser368fs (NM_001371595.1); and 3 more; short protein forms S312fs, S357fs, S368fs, S395fs, S413fs, S417fs, S424fs, S462fs.
Identifiers: ClinVar variation 4816894 (VCV004816894.1).
Genomic context (GRCh38, chr4:127,920,801, plus strand): 5'-TCGTGGTCCCCAGTGAGCATACACTTGGCTGATGAACATAGGCCCAAGAATCCGGGCTCC[A>AC]CTTCCAGATGCTGTTAACCAGCCCATGTATACACCCTGTTGGGGGTGAAATGGAGGACAA-3'

ClinVar aggregate classification (germline): Likely pathogenic (1 of 4 stars; one submission).

Conditions:
Late-infantile neuronal ceroid lipofuscinosis. Also called: Jansky-Bielschowsky disease. Identifiers: MedGen C0022340, MONDO:0015674.

Submission:

Natera, Inc.
Classification: Likely pathogenic for Late-infantile neuronal ceroid lipofuscinosis. Last evaluated: 2024-11-11. Review status: criteria provided, single submitter. Criteria: Natera Variant Classification Schema (03/2026). Collection method: clinical testing. Allele origin: germline.
Comment: The c.1385dup variant in MFSD8 is a frameshift variant predicted to elongate the protein beyond the termination codon. This variant is expected to result in nonsense mediated decay, truncation, or a dysfunctional protein product. This variant is rare in the general population with a frequency below the threshold expected for the associated phenotype(s). Given the available evidence, this variant is classified as Likely Pathogenic.